The following is an entry in ClinVar:

ClinVar aggregate classification (germline): Benign/Likely benign. Review status: criteria provided, multiple submitters, no conflicts (2 of 4 stars). 9 submissions from 9 submitters: Benign (7); Likely benign (1). 1 of the submissions does not count toward it. Last evaluated 2026-02-04.

Conditions:
Epidermolysis bullosa dystrophica. Also called: Dystrophic epidermolysis bullosa, Hallopeau-Siemens type (formerly); Dystrophic epidermolysis bullosa. Identifiers: Orphanet 303, MedGen C0079294, MONDO:0006543.
Recessive dystrophic epidermolysis bullosa (RDEB). Also called: Epidermolysis Bullosa Distrophica Autosomal Recessive (RDEB); EPIDERMOLYSIS BULLOSA DYSTROPHICA, GENERALIZED SEVERE, AUTOSOMAL RECESSIVE; DYSTROPHIC EPIDERMOLYSIS BULLOSA, AUTOSOMAL RECESSIVE; EPIDERMOLYSIS BULLOSA DYSTROPHICA, HALLOPEAU-SIEMENS TYPE; severe generalized recessive dystrophic epidermolysis bullosa; epidermolysis bullosa dystrophica, autosomal recessive. Identifiers: Orphanet 79408, Orphanet 79409, MedGen C0079474, MONDO:0009179, OMIM 226600.

Allele frequency attached by ClinVar (database versions not stated): gnomAD 0.10184 and 0.09897; gnomAD exomes 0.11672 and 0.13435; ESP Exome Variant Server 0.10226; TOPMed 0.09266; ExAC 0.11916; 1000 Genomes Project 30x 0.09744; 1000 Genomes Project 0.09904.
gnomAD v4.1: 211,311 of 1,613,976 alleles (13%); highest among the groups gnomAD compares: South Asian, 22%; 15,198 homozygotes.

Submissions (9):

Labcorp Genetics (formerly Invitae), Labcorp
Classification: Benign. Last evaluated: 2026-02-04. Review status: criteria provided, single submitter. Criteria: Invitae Variant Classification Sherloc (09022015). Collection method: clinical testing. Allele origin: germline.

Women's Health and Genetics/Laboratory Corporation of America, LabCorp
Classification: Likely benign. Last evaluated: 2025-01-27. Review status: criteria provided, single submitter. Criteria: LabCorp Variant Classification Summary - May 2015. Collection method: clinical testing. Allele origin: germline.

Mayo Clinic Laboratories, Mayo Clinic
Classification: Benign. Last evaluated: 2022-09-06. Review status: criteria provided, single submitter. Criteria: ACMG Guidelines, 2015. Collection method: clinical testing. Allele origin: germline. Observed: 11 variant alleles.

SIB Swiss Institute of Bioinformatics
Classification: Benign for Recessive dystrophic epidermolysis bullosa. Last evaluated: 2018-05-31. Review status: criteria provided, single submitter. Criteria: ACMG Guidelines, 2015. Collection method: curation. Allele origin: unknown.
Comment: This variant is interpreted as a Benign - Stand Alone, for Epidermolysis bullosa dystrophica, autosomal recessive; rdeb, in Autosomal Recessive manner. The following ACMG Tag(s) were applied: BA1 => Allele frequency is >5% in Exome Sequencing Project, 1000 Genomes Project, or Exome Aggregation Consortium.

Illumina Laboratory Services, Illumina
Classification: Benign for Dystrophic epidermolysis bullosa. Last evaluated: 2018-01-13. Review status: criteria provided, single submitter. Criteria: ICSL Variant Classification Criteria 13 December 2019. Collection method: clinical testing. Allele origin: germline.
Comment: This variant was observed in the ICSL laboratory as part of a predisposition screen in an ostensibly healthy population. It had not been previously curated by ICSL or reported in the Human Gene Mutation Database (HGMD: prior to June 1st, 2018), and was therefore a candidate for classification through an automated scoring system. Utilizing variant allele frequency, disease prevalence and penetrance estimates, and inheritance mode, an automated score was calculated to assess if this variant is too frequent to cause the disease. Based on the score and internal cut-off values, a variant classified as benign is not then subjected to further curation. The score for this variant resulted in a classification of benign for this disease.

GeneDx
Classification: Benign. Last evaluated: 2015-03-03. Review status: criteria provided, single submitter. Criteria: GeneDx Variant Classification Process June 2021. Collection method: clinical testing. Allele origin: germline. Affected: yes.

Breakthrough Genomics
Classification: Benign. Review status: criteria provided, single submitter. Criteria: ACMG Guidelines, 2015. Collection method: not provided. Allele origin: germline. Inheritance: Autosomal recessive inheritance. Affected: yes.

PreventionGenetics, part of Exact Sciences
Classification: Benign. Review status: criteria provided, single submitter. Criteria: ACMG Guidelines, 2015. Collection method: clinical testing. Allele origin: germline.

Natera, Inc.
Classification: Benign for Dystrophic epidermolysis bullosa. Last evaluated: 2019-11-21. Review status: no assertion criteria provided. Collection method: clinical testing. Allele origin: germline. Not counted in ClinVar's aggregate classification.

NM_000094.4(COL7A1):c.1784C>T (p.Pro595Leu)

Gene: COL7A1 (collagen type VII alpha 1 chain; minus strand). Cytogenetic location: 3p21.31.
Variant type: single nucleotide variant.
Coding change: c.1784C>T on transcript NM_000094.4 (MANE Select); coding-DNA position 1784, C replaced by T.
Protein change: p.Pro595Leu; replaces proline 595 with leucine.
Molecular consequence: missense variant.
Genome position (GRCh38, 1-based): chr3:48,590,581, G>A on the plus strand (C>T on the coding strand, the complement: COL7A1 is on the minus strand). VCF-style: chr3-48590581-G-A. GRCh37 (hg19) VCF-style: chr3-48628014-G-A.
Other names: NM_000094.3(COL7A1):c.1784C>T(p.Pro595Leu); short protein forms P595L.
Identifiers: ClinVar variation 255103 (VCV000255103.23), dbSNP rs2228561, ClinGen allele CA2381108.